The following is an entry in ClinVar:

ClinVar aggregate classification (germline): Pathogenic (0 of 4 stars; one submission).

Conditions:
Williams syndrome (WBS). Also called: WILLIAMS-BEUREN SYNDROME; CHROMOSOME 7q11.23 DELETION SYNDROME, 1.5- TO 1.8-MB. Identifiers: Orphanet 904, MedGen C0175702, MONDO:0008678, OMIM 194050. Disease mechanism: loss of function.

Submission:

Cytogenetics and Genomics Lab, Cyprus Institute Of Neurology and Genetics
Classification: Pathogenic for Williams syndrome. Review status: no assertion criteria provided. Collection method: clinical testing. Allele origin: de novo, maternal. Affected: yes. Observed: 3 heterozygotes. Clinical features observed: Ventricular septal defect (HP:0001629), Supravalvar aortic stenosis (HP:0004381).
Comment: This a novel and atypical deletion within WBS region, encompassing ELN gene which is responsible for cardiovascular abnormalities in WBS patients.

NC_000007.14:g.73773313_74086695del

Genes: CLDN4 (claudin 4; plus strand), ELN (elastin; plus strand), LIMK1 (LIM domain kinase 1; plus strand), METTL27 (methyltransferase like 27; minus strand), TMEM270 (transmembrane protein 270; plus strand). Cytogenetic location: 7q11.23.
Variant type: Deletion.
Identifiers: ClinVar variation 978415 (VCV000978415.2).